The following is an entry in ClinVar:

NM_004360.5(CDH1):c.1214A>C (p.Asn405Thr)

Gene: CDH1 (cadherin 1; plus strand). Cytogenetic location: 16q22.1.
Variant type: single nucleotide variant.
Coding change: c.1214A>C on transcript NM_004360.5 (MANE Select); coding-DNA position 1214, A replaced by C.
Protein change: p.Asn405Thr; replaces asparagine 405 with threonine.
Molecular consequence: missense variant. On other transcripts: 5 prime UTR variant (2), intron variant (1).
Genome position (GRCh38, 1-based): chr16:68,813,389, A>C. VCF-style: chr16-68813389-A-C. GRCh37 (hg19) VCF-style: chr16-68847292-A-C.
Other names: c.-402A>C (NM_001317185.2); c.-606A>C (NM_001317186.2); c.1137+1126A>C (NM_001317184.2); short protein forms N405T.
Identifiers: ClinVar variation 2453314 (VCV002453314.6), dbSNP rs587778175, ClinGen allele CA396461335.

ClinVar aggregate classification (germline): Conflicting classifications of pathogenicity. Review status: criteria provided, conflicting classifications (1 of 4 stars). 2 submissions from 2 submitters: Uncertain significance (1); Likely benign (1). Last evaluated 2026-06-11.

Conditions:
Hereditary cancer-predisposing syndrome. Also called: Tumor predisposition; Hereditary Cancer Syndrome; Hereditary neoplastic syndrome; Neoplastic Syndromes, Hereditary. Identifiers: Orphanet 140162, MedGen C0027672, MeSH D009386, MONDO:0015356.
Hereditary diffuse gastric adenocarcinoma (HDGC). Also called: DIFFUSE GASTRIC AND LOBULAR BREAST CANCER SYNDROME. Identifiers: Orphanet 26106, MedGen C1708349, MONDO:0007648, OMIM 137215.

Submissions (2):

Ambry Genetics
Classification: Likely benign for Hereditary cancer-predisposing syndrome. Last evaluated: 2026-06-11. Review status: criteria provided, single submitter. Criteria: Ambry Variant Classification Scheme 2023. Collection method: clinical testing. Allele origin: germline.

Labcorp Genetics (formerly Invitae), Labcorp
Classification: Uncertain significance for Hereditary diffuse gastric adenocarcinoma. Last evaluated: 2025-06-24. Review status: criteria provided, single submitter. Criteria: Invitae Variant Classification Sherloc (09022015). Collection method: clinical testing. Allele origin: germline.
Comment: This sequence change replaces asparagine, which is neutral and polar, with threonine, which is neutral and polar, at codon 405 of the CDH1 protein (p.Asn405Thr). This variant is not present in population databases (gnomAD no frequency). This missense change has been observed in individual(s) with gastric cancer (PMID: 29589180). ClinVar contains an entry for this variant (Variation ID: 2453314). An algorithm developed to predict the effect of missense changes on protein structure and function (PolyPhen-2) suggests that this variant is likely to be tolerated. In summary, the available evidence is currently insufficient to determine the role of this variant in disease. Therefore, it has been classified as a Variant of Uncertain Significance.

Literature cited by the submitters: PubMed 29589180 (cited by Labcorp Genetics (formerly Invitae), Labcorp).